The following is an entry in ClinVar:

NM_001378457.1(DMXL2):c.504C>G (p.Thr168=)

Gene: DMXL2 (Dmx like 2; minus strand). Cytogenetic location: 15q21.2.
Variant type: single nucleotide variant.
Coding change: c.504C>G on transcript NM_001378457.1 (MANE Select); coding-DNA position 504, C replaced by G.
Protein change: p.Thr168=; no amino-acid change (threonine 168 retained).
Molecular consequence: synonymous variant. On other transcripts: non-coding transcript variant (2).
Genome position (GRCh38, 1-based): chr15:51,563,444, G>C on the plus strand (C>G on the coding strand, the complement: DMXL2 is on the minus strand). VCF-style: chr15-51563444-G-C. GRCh37 (hg19) VCF-style: chr15-51855641-G-C.
Other names: c.504C>G, p.Thr168= (NM_001174116.3, NM_001174117.3, NM_001378458.1 and 7 more transcripts); c.504C>G (NM_001174116.1).
Identifiers: ClinVar variation 2047663 (VCV002047663.5), dbSNP rs1156868344, ClinGen allele CA490511560.
Genomic context (GRCh38, chr15:51,563,444, plus strand): 5'-TCCAGCAGTAGCAAAATATTCACCATCAGGAGACCATTCCATCAAATGTACAGATACTGA[G>C]GTTCTAAAAAAGAGAGAGTTAGGCAATTAGCCCTTTTAAAATCTGGTGTACTGTATATAA-3'
Protein context (NP_001365386.1, residues 158-178): NDWKCVWQCK[Thr168=]SVSVHLMEWS

ClinVar aggregate classification (germline): Likely benign. Review status: criteria provided, multiple submitters, no conflicts (2 of 4 stars). 2 submissions from 2 submitters: Likely benign (2). Last evaluated 2026-06-10.

Conditions:
DMXL2-related disorder. Also called: DMXL2-related condition.

Allele frequency attached by ClinVar (database versions not stated): gnomAD exomes below 0.00001; gnomAD 0.00001; TOPMed 0.00002.
gnomAD v4.1: 5 of 1,602,436 alleles (0.00031%); highest among the groups gnomAD compares: Admixed American, 0.0052%; no homozygotes.

Submissions (2):

PreventionGenetics, part of Exact Sciences
Classification: Likely benign for DMXL2-related condition. Last evaluated: 2026-06-10. Review status: criteria provided, single submitter. Criteria: ACMG Guidelines, 2015. Collection method: clinical testing. Allele origin: germline.
Comment: This variant is classified as likely benign based on ACMG/AMP sequence variant interpretation guidelines (Richards et al. 2015 PMID: 25741868, with internal and published modifications).

Labcorp Genetics (formerly Invitae), Labcorp
Classification: Likely benign. Last evaluated: 2025-09-02. Review status: criteria provided, single submitter. Criteria: Invitae Variant Classification Sherloc (09022015). Collection method: clinical testing. Allele origin: germline.